The following is an entry in ClinVar:

NM_004341.5(CAD):c.2400+2T>G

Genes: CAD (carbamoyl-phosphate synthetase 2, aspartate transcarbamylase, and dihydroorotase; plus strand), LOC126806171 (BRD4-independent group 4 enhancer GRCh37_chr2:27454350-27455549; plus strand). Cytogenetic location: 2p23.3.
Variant type: single nucleotide variant.
Coding change: c.2400+2T>G on transcript NM_004341.5 (MANE Select); the canonical splice donor site of the intron after coding-DNA position 2400, T replaced by G.
Molecular consequence: splice donor variant.
Genome position (GRCh38, 1-based): chr2:27,231,582, T>G. VCF-style: chr2-27231582-T-G. GRCh37 (hg19) VCF-style: chr2-27454450-T-G.
Other names: c.2211+2T>G (NM_001306079.2).
Identifiers: ClinVar variation 2799575 (VCV002799575.3), dbSNP rs2465322986, ClinGen allele CA346210294.

ClinVar aggregate classification (germline): Likely pathogenic (1 of 4 stars; one submission).

Allele frequency attached by ClinVar (database versions not stated): gnomAD exomes below 0.00001.
gnomAD v4.1: 1 of 1,584,684 alleles (0.000063%); highest among the groups gnomAD compares: Non-Finnish European, 0.000087%; no homozygotes.

Submission:

Labcorp Genetics (formerly Invitae), Labcorp
Classification: Likely pathogenic. Last evaluated: 2023-06-06. Review status: criteria provided, single submitter. Criteria: Invitae Variant Classification Sherloc (09022015). Collection method: clinical testing. Allele origin: germline.
Comment: This sequence change affects a donor splice site in intron 16 of the CAD gene. It is expected to disrupt RNA splicing. Variants that disrupt the donor or acceptor splice site typically lead to a loss of protein function (PMID: 16199547), and loss-of-function variants in CAD are known to be pathogenic (PMID: 28007989, 32117025, 32820246, 33497533). This variant is not present in population databases (gnomAD no frequency). This variant has not been reported in the literature in individuals affected with CAD-related conditions. Algorithms developed to predict the effect of sequence changes on RNA splicing suggest that this variant may disrupt the consensus splice site. In summary, the currently available evidence indicates that the variant is pathogenic, but additional data are needed to prove that conclusively. Therefore, this variant has been classified as Likely Pathogenic.

Literature cited by the submitters: PubMed 16199547; PubMed 28007989; PubMed 32117025; PubMed 32820246; PubMed 33497533.